The following is an entry in ClinVar:

ClinVar aggregate classification (germline): Likely benign (0 of 4 stars; one submission).

Conditions:
SPOUT1-related disorder. Also called: SPOUT1-related condition.

Allele frequency attached by ClinVar (database versions not stated): TOPMed 0.00006; gnomAD 0.00009; ESP Exome Variant Server 0.00023; ExAC 0.00024; 1000 Genomes Project 30x 0.00047; 1000 Genomes Project 0.00060.
gnomAD v4.1: 216 of 1,613,884 alleles (0.013%); highest among the groups gnomAD compares: East Asian, 0.076%; 1 homozygote.

Submission:

PreventionGenetics, part of Exact Sciences
Classification: Likely benign for SPOUT1-related condition. Last evaluated: 2019-08-26. Review status: no assertion criteria provided. Collection method: clinical testing. Allele origin: germline.
Comment: This variant is classified as likely benign based on ACMG/AMP sequence variant interpretation guidelines (Richards et al. 2015 PMID: 25741868, with internal and published modifications).

NM_016390.4(SPOUT1):c.508+5C>T

Genes: KYAT1-SPOUT1 (KYAT1-SPOUT1 readthrough; minus strand), SPOUT1 (SPOUT domain containing methyltransferase 1; minus strand). Cytogenetic location: 9q34.11.
Variant type: single nucleotide variant.
Coding change: c.508+5C>T on transcript NM_016390.4 (MANE Select); 5 bases into the intron after coding-DNA position 508, C replaced by T.
Molecular consequence: intron variant.
Genome position (GRCh38, 1-based): chr9:128,826,379, G>A on the plus strand (C>T on the coding strand, the complement: SPOUT1 is on the minus strand). VCF-style: chr9-128826379-G-A. GRCh37 (hg19) VCF-style: chr9-131588658-G-A.
Other names: c.1855+5C>T (NM_001414398.1).
Identifiers: ClinVar variation 3043525 (VCV003043525.2), dbSNP rs117532426, ClinGen allele CA5269880.